The following is an entry in ClinVar:

ClinVar aggregate classification (germline): Pathogenic/Likely pathogenic. Review status: criteria provided, multiple submitters, no conflicts (2 of 4 stars). 3 submissions from 3 submitters: Pathogenic (1); Likely pathogenic (2). Last evaluated 2024-05-25.

Conditions:
Joubert syndrome. Also called: Familial aplasia of the vermis; CEREBELLOPARENCHYMAL DISORDER IV; JOUBERT-BOLTSHAUSER SYNDROME. Identifiers: Orphanet 475, MedGen C5979921, MONDO:0018772.
Meckel-Gruber syndrome. Also called: Dysencephalia splachnocystica; DYSENCEPHALIA SPLANCHNOCYSTICA; GRUBER SYNDROME. Identifiers: Orphanet 564, MedGen C0265215, MONDO:0018921.
Joubert syndrome 6 (JBTS6). Identifiers: Orphanet 475, MedGen C1853153, MONDO:0012539, OMIM 610688.
Meckel syndrome, type 3 (MKS3). Also called: MECKEL-GRUBER SYNDROME, TYPE 3. Identifiers: Orphanet 564, MedGen C1846357, MONDO:0011821, OMIM 607361.
Nephronophthisis 11 (NPHP11). Identifiers: Orphanet 84081, MedGen C3150796, MONDO:0013302, OMIM 613550.
COACH syndrome 1. Identifiers: Orphanet 1454, MedGen C5435651, MONDO:0800103, OMIM 216360, MONDO:0008996.
Bardet-Biedl syndrome 14 (BBS14). Identifiers: Orphanet 110, MedGen C2673874, MONDO:0014442, OMIM 615991.
RHYNS syndrome. Also called: RETINITIS PIGMENTOSA SYNDROME; RETINITIS PIGMENTOSA, HYPOPITUITARISM, NEPHRONOPHTHISIS, AND MILD SKELETAL DYSPLASIA. Identifiers: Orphanet 140976, MedGen C1865794, MONDO:0011202, OMIM 602152.

Submissions (3):

Fulgent Genetics
Classification: Likely pathogenic for COACH syndrome 1; RHYNS syndrome; Meckel syndrome, type 3; Joubert syndrome 6; Nephronophthisis 11; Bardet-Biedl syndrome 14. Last evaluated: 2024-05-25. Review status: criteria provided, single submitter. Criteria: ACMG Guidelines, 2015. Collection method: clinical testing. Allele origin: germline.

Labcorp Genetics (formerly Invitae), Labcorp
Classification: Pathogenic for Joubert syndrome; Meckel-Gruber syndrome. Last evaluated: 2023-08-10. Review status: criteria provided, single submitter. Criteria: Invitae Variant Classification Sherloc (09022015). Collection method: clinical testing. Allele origin: germline.
Comment: This sequence change creates a premature translational stop signal (p.Ala447Glufs*5) in the TMEM67 gene. It is expected to result in an absent or disrupted protein product. Loss-of-function variants in TMEM67 are known to be pathogenic (PMID: 20232449, 23559409). This variant is not present in population databases (gnomAD no frequency). This variant has not been reported in the literature in individuals affected with TMEM67-related conditions. ClinVar contains an entry for this variant (Variation ID: 1074275). Algorithms developed to predict the effect of sequence changes on RNA splicing suggest that this variant may disrupt the consensus splice site. For these reasons, this variant has been classified as Pathogenic.

Revvity Omics, Revvity
Classification: Likely pathogenic. Last evaluated: 2022-05-30. Review status: criteria provided, single submitter. Criteria: ACMG Guidelines, 2015. Collection method: clinical testing. Allele origin: germline.

Literature cited by the submitters: PubMed 20232449 (cited by Labcorp Genetics (formerly Invitae), Labcorp); PubMed 23559409 (cited by Labcorp Genetics (formerly Invitae), Labcorp).

NM_153704.6(TMEM67):c.1338_1350del (p.Ala447fs)

Gene: TMEM67 (transmembrane protein 67; plus strand). Cytogenetic location: 8q22.1.
Variant type: Deletion.
Coding change: c.1338_1350del on transcript NM_153704.6 (MANE Select); coding-DNA positions 1338 to 1350, 13 bases deleted (TGCAGTAAGTGGA).
Protein change: p.Ala447fs; shifts the reading frame from alanine 447.
Molecular consequence: frameshift variant. On other transcripts: non-coding transcript variant (1).
Genome position (GRCh38, 1-based): chr8:93,786,272-93,786,284, TGCAGTAAGTGGA deleted; deleting any 13 consecutive bases within chr8:93,786,266-93,786,284 gives the same sequence; the c. name uses the placement nearest the transcript's 3' end. VCF-style (leftmost placement, unchanged base first): chr8-93786265-TAGTGGATGCAGTA-T. GRCh37 (hg19) VCF-style: chr8-94798493-TAGTGGATGCAGTA-T.
Other names: c.1095_1107del, p.Ala366fs (NM_001142301.1); short protein forms A366fs, A447fs.
Identifiers: ClinVar variation 1074275 (VCV001074275.11), dbSNP rs2130690833, ClinGen allele CA2499219450.
Genomic context (GRCh38, chr8:93,786,265, plus strand): 5'-TTCTTTTTATAATAAAAGACAGCAACTCTGGAAAGTGGCTTCTAACTCGGCGCATTTTCT[TAGTGGATGCAGTA>T]AGTGGACGAGAAAATGACTTAGGAACTCAGCCAAGAGTAATTCGAGTTGCTACTCAAATA-3'